The following is an entry in ClinVar:

ClinVar aggregate classification (germline): Uncertain significance (1 of 4 stars; one submission).

Conditions:
Idiopathic generalized epilepsy. Also called: EIG; Generalised epilepsy. Identifiers: MedGen C0270850, MONDO:0005579, OMIM 600669.
Hyperaldosteronism, familial, type IV (HALD4). Also called: FH IV; ALDOSTERONISM, PRIMARY, AND HYPERTENSION. Identifiers: Orphanet 642671, MedGen C4310756, MONDO:0014875, OMIM 617027.

gnomAD v4.1: 13 of 1,592,124 alleles (0.00082%); highest among the groups gnomAD compares: Non-Finnish European, 0.0011%; no homozygotes.

Submission:

Labcorp Genetics (formerly Invitae), Labcorp
Classification: Uncertain significance for Idiopathic generalized epilepsy; Hyperaldosteronism, familial, type IV. Last evaluated: 2025-04-23. Review status: criteria provided, single submitter. Criteria: Invitae Variant Classification Sherloc (09022015). Collection method: clinical testing. Allele origin: germline.
Comment: This sequence change replaces threonine, which is neutral and polar, with serine, which is neutral and polar, at codon 1050 of the CACNA1H protein (p.Thr1050Ser). This variant is not present in population databases (gnomAD no frequency). This variant has not been reported in the literature in individuals affected with CACNA1H-related conditions. Invitae Evidence Modeling of protein sequence and biophysical properties (such as structural, functional, and spatial information, amino acid conservation, physicochemical variation, residue mobility, and thermodynamic stability) indicates that this missense variant is not expected to disrupt CACNA1H protein function with a negative predictive value of 80%. In summary, the available evidence is currently insufficient to determine the role of this variant in disease. Therefore, it has been classified as a Variant of Uncertain Significance.

NM_021098.3(CACNA1H):c.3148A>T (p.Thr1050Ser)

Gene: CACNA1H (calcium voltage-gated channel subunit alpha1 H; plus strand). Cytogenetic location: 16p13.3.
Variant type: single nucleotide variant.
Coding change: c.3148A>T on transcript NM_021098.3 (MANE Select); coding-DNA position 3148, A replaced by T.
Protein change: p.Thr1050Ser; replaces threonine 1050 with serine.
Molecular consequence: missense variant.
Genome position (GRCh38, 1-based): chr16:1,207,854, A>T. VCF-style: chr16-1207854-A-T. GRCh37 (hg19) VCF-style: chr16-1257854-A-T.
Other names: c.3148A>T, p.Thr1050Ser (NM_001005407.2); short protein forms T1050S.
Identifiers: ClinVar variation 4792524 (VCV004792524.1).